The following is an entry in ClinVar:

NM_000142.5(FGFR3):c.1900G>A (p.Ala634Thr)

Gene: FGFR3 (fibroblast growth factor receptor 3; plus strand). Cytogenetic location: 4p16.3.
Variant type: single nucleotide variant.
Coding change: c.1900G>A on transcript NM_000142.5 (MANE Select); coding-DNA position 1900, G replaced by A.
Protein change: p.Ala634Thr; replaces alanine 634 with threonine.
Molecular consequence: missense variant. On other transcripts: non-coding transcript variant (1).
Genome position (GRCh38, 1-based): chr4:1,806,114, G>A. VCF-style: chr4-1806114-G-A. GRCh37 (hg19) VCF-style: chr4-1807841-G-A.
Other names: c.1906G>A, p.Ala636Thr (NM_001163213.2); c.1903G>A, p.Ala635Thr (NM_001354809.2, NM_001354810.2); c.1564G>A, p.Ala522Thr (NM_022965.4); short protein forms A522T, A634T, A635T, A636T.
Identifiers: ClinVar variation 1195270 (VCV001195270.2), dbSNP rs2108807024, ClinGen allele CA355982474.

ClinVar aggregate classification (germline): Uncertain significance (1 of 4 stars; one submission).

Submission:

GeneDx
Classification: Uncertain significance. Last evaluated: 2020-10-05. Review status: criteria provided, single submitter. Criteria: GeneDx Variant Classification Process June 2021. Collection method: clinical testing. Allele origin: germline. Affected: yes.
Comment: Not observed in large population cohorts (Lek et al., 2016); In silico analysis supports that this missense variant has a deleterious effect on protein structure/function; Has not been previously published in association with disease to our knowledge; This variant is associated with the following publications: (PMID: 29974360)